The following is an entry in ClinVar:

ClinVar aggregate classification (germline): Uncertain significance. Review status: criteria provided, multiple submitters, no conflicts (2 of 4 stars). 2 submissions from 2 submitters: Uncertain significance (2). Last evaluated 2026-07-20.

Conditions:
PLXNA2-related disorder. Also called: PLXNA2-related condition.

Allele frequency attached by ClinVar (database versions not stated): ESP Exome Variant Server 0.00015.
gnomAD v4.1: 258 of 1,612,896 alleles (0.016%); highest among the groups gnomAD compares: Middle Eastern, 0.05%; no homozygotes.

Submissions (2):

PreventionGenetics, part of Exact Sciences
Classification: Uncertain significance for PLXNA2-related condition. Last evaluated: 2026-07-20. Review status: criteria provided, single submitter. Criteria: ACMG Guidelines, 2015. Collection method: clinical testing. Allele origin: germline.
Comment: The PLXNA2 c.2539G>A variant is predicted to result in the amino acid substitution p.Asp847Asn. To our knowledge, this variant has not been reported in the literature. This variant is reported in 0.023% of alleles in individuals of European (Non-Finnish) descent in gnomAD, which may be too common to be a primary cause of disease. Although we suspect that this variant may be benign, at this time, the clinical significance of this variant is uncertain due to the absence of conclusive functional and genetic evidence.

Labcorp Genetics (formerly Invitae), Labcorp
Classification: Uncertain significance. Last evaluated: 2025-06-12. Review status: criteria provided, single submitter. Criteria: Invitae Variant Classification Sherloc (09022015). Collection method: clinical testing. Allele origin: germline.
Comment: This sequence change replaces aspartic acid, which is acidic and polar, with asparagine, which is neutral and polar, at codon 847 of the PLXNA2 protein (p.Asp847Asn). This variant is present in population databases (rs201952593, gnomAD 0.02%). This variant has not been reported in the literature in individuals affected with PLXNA2-related conditions. ClinVar contains an entry for this variant (Variation ID: 1378629). An algorithm developed to predict the effect of missense changes on protein structure and function (PolyPhen-2) suggests that this variant is likely to be tolerated. In summary, the available evidence is currently insufficient to determine the role of this variant in disease. Therefore, it has been classified as a Variant of Uncertain Significance.

NM_025179.4(PLXNA2):c.2539G>A (p.Asp847Asn)

Gene: PLXNA2 (plexin A2; minus strand). Cytogenetic location: 1q32.2.
Variant type: single nucleotide variant.
Coding change: c.2539G>A on transcript NM_025179.4 (MANE Select); coding-DNA position 2539, G replaced by A.
Protein change: p.Asp847Asn; replaces aspartic acid 847 with asparagine.
Molecular consequence: missense variant.
Genome position (GRCh38, 1-based): chr1:208,079,307, C>T on the plus strand (G>A on the coding strand, the complement: PLXNA2 is on the minus strand). VCF-style: chr1-208079307-C-T. GRCh37 (hg19) VCF-style: chr1-208252652-C-T.
Other names: c.2539G>A (NM_025179.3); short protein forms D847N.
Identifiers: ClinVar variation 1378629 (VCV001378629.11), dbSNP rs201952593, ClinGen allele CA1373483.